The following is an entry in ClinVar:

ClinVar aggregate classification (germline): Uncertain significance. Review status: criteria provided, multiple submitters, no conflicts (2 of 4 stars). 2 submissions from 2 submitters: Uncertain significance (2). Last evaluated 2026-07-07.

Conditions:
Cardiovascular phenotype. Identifiers: MedGen CN230736.
Myofibrillar myopathy 5. Also called: Filaminopathy (type); FILAMINOPATHY, AUTOSOMAL DOMINANT. Identifiers: Orphanet 171445, MedGen C1836050, MONDO:0012289, OMIM 609524.
Distal myopathy with posterior leg and anterior hand involvement. Also called: WILLIAMS DISTAL MYOPATHY. Identifiers: Orphanet 63273, MedGen C3279722, MONDO:0013550, OMIM 614065.
Hypertrophic cardiomyopathy 26. Also called: Cardiomyopathy, familial hypertrophic, 26. Identifiers: Orphanet 75249, MedGen C4310749, MONDO:0014883, OMIM 617047.

Allele frequency attached by ClinVar (database versions not stated): gnomAD exomes below 0.00001; ExAC 0.00001.

Submissions (2):

Ambry Genetics
Classification: Uncertain significance for Cardiovascular phenotype. Last evaluated: 2026-07-07. Review status: criteria provided, single submitter. Criteria: Ambry Variant Classification Scheme 2023. Collection method: clinical testing. Allele origin: germline.
Comment: The p.G1722S variant (also known as c.5164G>A), located in coding exon 30 of the FLNC gene, results from a G to A substitution at nucleotide position 5164. The glycine at codon 1722 is replaced by serine, an amino acid with similar properties. This amino acid position is conserved. In addition, this alteration is predicted to be deleterious by in silico analysis. Based on the available evidence, the clinical significance of this variant remains unclear.

Labcorp Genetics (formerly Invitae), Labcorp
Classification: Uncertain significance for Distal myopathy with posterior leg and anterior hand involvement; Myofibrillar myopathy 5; Hypertrophic cardiomyopathy 26. Last evaluated: 2020-09-14. Review status: criteria provided, single submitter. Criteria: Invitae Variant Classification Sherloc (09022015). Collection method: clinical testing. Allele origin: germline.
Comment: In summary, the available evidence is currently insufficient to determine the role of this variant in disease. Therefore, it has been classified as a Variant of Uncertain Significance. Algorithms developed to predict the effect of missense changes on protein structure and function are either unavailable or do not agree on the potential impact of this missense change (SIFT: "Deleterious"; PolyPhen-2: "Probably Damaging"; Align-GVGD: "Class C0"). This variant has not been reported in the literature in individuals with FLNC-related conditions. This variant is present in population databases (rs765591354, ExAC 0.002%). This sequence change replaces glycine with serine at codon 1722 of the FLNC protein (p.Gly1722Ser). The glycine residue is highly conserved and there is a small physicochemical difference between glycine and serine.

NM_001458.5(FLNC):c.5164G>A (p.Gly1722Ser)

Gene: FLNC (filamin C; plus strand). Cytogenetic location: 7q32.1.
Variant type: single nucleotide variant.
Coding change: c.5164G>A on transcript NM_001458.5 (MANE Select); coding-DNA position 5164, G replaced by A.
Protein change: p.Gly1722Ser; replaces glycine 1722 with serine.
Molecular consequence: missense variant.
Genome position (GRCh38, 1-based): chr7:128,849,543, G>A. VCF-style: chr7-128849543-G-A. GRCh37 (hg19) VCF-style: chr7-128489597-G-A.
Other names: c.5164G>A (NM_001458.4); c.5164G>A, p.Gly1722Ser (NM_001127487.2); short protein forms G1722S.
Identifiers: ClinVar variation 1036819 (VCV001036819.10), dbSNP rs765591354, ClinGen allele CA4475573.